The following is an entry in ClinVar:

ClinVar aggregate classification (germline): Uncertain significance. Review status: criteria provided, single submitter (1 of 4 stars). 2 submissions from 2 submitters: Uncertain significance (1). 1 of the submissions does not count toward it. Last evaluated 2022-03-03.

Conditions:
Fanconi anemia (FA). Also called: Fanconi's anemia. Identifiers: Orphanet 84, MedGen C0015625, MeSH D005199, MONDO:0019391.
FANCI-related disorder. Also called: FANCI-related condition.

Submissions (2):

Labcorp Genetics (formerly Invitae), Labcorp
Classification: Uncertain significance for Fanconi anemia. Last evaluated: 2022-03-03. Review status: criteria provided, single submitter. Criteria: Invitae Variant Classification Sherloc (09022015). Collection method: clinical testing. Allele origin: germline.
Comment: This variant, c.939_941del, results in the deletion of 1 amino acid(s) of the FANCI protein (p.Leu314del), but otherwise preserves the integrity of the reading frame. This variant is present in population databases (rs766563407, gnomAD 0.0009%). This variant has not been reported in the literature in individuals affected with FANCI-related conditions. ClinVar contains an entry for this variant (Variation ID: 855572). Experimental studies and prediction algorithms are not available or were not evaluated, and the functional significance of this variant is currently unknown. In summary, the available evidence is currently insufficient to determine the role of this variant in disease. Therefore, it has been classified as a Variant of Uncertain Significance.

PreventionGenetics, part of Exact Sciences
Classification: Uncertain significance for FANCI-related condition. Last evaluated: 2024-08-26. Review status: no assertion criteria provided. Collection method: clinical testing. Allele origin: germline. Not counted in ClinVar's aggregate classification.
Comment: The FANCI c.939_941delTCT variant is predicted to result in an in-frame deletion (p.Leu314del). This variant was reported in the heterozygous state in an individual with idiopathic cytopenia of undetermined significance (Supp Table 4 Molteni et al 2023. PubMed ID: 37216690). This variant was also reported in the compound heterozygous state with a pathogenic FANCI variant in a patient with Fanconi anemia (Supp. Table 1 Pagliara D et al 2023. PubMed ID: 37865086). This variant is reported in 0.00088% of alleles in individuals of European (non-Finnish) descent in gnomAD. At this time, the clinical significance of this variant is uncertain due to the absence of conclusive functional and genetic evidence.

NM_001113378.2(FANCI):c.933TCT[2] (p.Leu314del)

Gene: FANCI (FA complementation group I; plus strand). Cytogenetic location: 15q26.1.
Variant type: Microsatellite.
Coding change: c.933TCT[2] on transcript NM_001113378.2 (MANE Select); two copies in a row of the 3-base unit TCT starting at c.933; the reference has three copies in a row; one copy, 3 bases deleted.
Protein change: p.Leu314del; deletes leucine 314.
Molecular consequence: inframe deletion.
Genome position (GRCh38, 1-based): chr15:89,273,433-89,273,435, TCT deleted; deleting any 3 consecutive bases within chr15:89,273,427-89,273,435 gives the same sequence; the position shown is the placement nearest the transcript's 3' end. VCF-style (leftmost placement, unchanged base first): chr15-89273426-CTCT-C. GRCh37 (hg19) VCF-style: chr15-89816657-CTCT-C.
Other names: c.654TCT[2], p.Leu221del (NM_001376910.1); c.933TCT[2], p.Leu314del (NM_001376911.1, NM_018193.3); c.939_941delTCT (NM_001113378.1); short protein forms L221del, L314del.
Identifiers: ClinVar variation 855572 (VCV000855572.8), dbSNP rs766563407, ClinGen allele CA7722836.